The following is an entry in ClinVar:

NM_004370.6(COL12A1):c.5095G>A (p.Glu1699Lys)

Gene: COL12A1 (collagen type XII alpha 1 chain; minus strand). Cytogenetic location: 6q13.
Variant type: single nucleotide variant.
Coding change: c.5095G>A on transcript NM_004370.6 (MANE Select); coding-DNA position 5095, G replaced by A.
Protein change: p.Glu1699Lys; replaces glutamic acid 1699 with lysine.
Molecular consequence: missense variant.
Genome position (GRCh38, 1-based): chr6:75,138,824, C>T on the plus strand (G>A on the coding strand, the complement: COL12A1 is on the minus strand). VCF-style: chr6-75138824-C-T. GRCh37 (hg19) VCF-style: chr6-75848540-C-T.
Other names: c.1603G>A, p.Glu535Lys (NM_080645.3); short protein forms E1699K, E535K.
Identifiers: ClinVar variation 1466911 (VCV001466911.8), dbSNP rs1369964113, ClinGen allele CA364739440.
Genomic context (GRCh38, chr6:75,138,824, plus strand): 5'-TCCCTACAAATTAAATGGGACATGAAAGACAGAGAGAAAGATAAAGAGAGTTAACTACCT[C>T]CATCTTATCTGAGCTTCCAAAAGGTGCCCAAGTTATTCTGTAGAGAGACACATCTGAAGC-3'
Protein context (NP_004361.3, residues 1689-1709): WAPFGSSDKM[Glu1699Lys]TILNGDENTL

ClinVar aggregate classification (germline): Uncertain significance (1 of 4 stars; one submission).

Conditions:
Ullrich congenital muscular dystrophy 2 (UCMD2). Identifiers: Orphanet 75840, MedGen C4225314, MONDO:0014654, OMIM 616470.
Bethlem myopathy 2 (BTHLM2). Identifiers: Orphanet 536516, Orphanet 610, MedGen C4225313, MONDO:0034022, OMIM 616471.

Submission:

Labcorp Genetics (formerly Invitae), Labcorp
Classification: Uncertain significance for Bethlem myopathy 2; Ullrich congenital muscular dystrophy 2. Last evaluated: 2024-09-20. Review status: criteria provided, single submitter. Criteria: Invitae Variant Classification Sherloc (09022015). Collection method: clinical testing. Allele origin: germline.
Comment: This sequence change replaces glutamic acid, which is acidic and polar, with lysine, which is basic and polar, at codon 1699 of the COL12A1 protein (p.Glu1699Lys). This variant is not present in population databases (gnomAD no frequency). This variant has not been reported in the literature in individuals affected with COL12A1-related conditions. ClinVar contains an entry for this variant (Variation ID: 1466911). An algorithm developed to predict the effect of missense changes on protein structure and function (PolyPhen-2) suggests that this variant is likely to be disruptive. In summary, the available evidence is currently insufficient to determine the role of this variant in disease. Therefore, it has been classified as a Variant of Uncertain Significance.